The following is an entry in ClinVar:

ClinVar aggregate classification (germline): Uncertain significance. Review status: criteria provided, multiple submitters, no conflicts (2 of 4 stars). 2 submissions from 2 submitters: Uncertain significance (2). Last evaluated 2026-09-06.

Conditions:
Hypertrophic cardiomyopathy. Also called: HYPERTROPHIC MYOCARDIOPATHY. Identifiers: Orphanet 217569, MedGen C0007194, MeSH D002312, MONDO:0005045, HP:0001639.

Allele frequency attached by ClinVar (database versions not stated): gnomAD 0.00001; gnomAD exomes 0.00001; TOPMed below 0.00001.
gnomAD v4.1: 9 of 1,613,794 alleles (0.00056%); highest among the groups gnomAD compares: African/African-American, 0.0027%; no homozygotes.

Submissions (2):

Ambry Genetics
Classification: Uncertain significance. Last evaluated: 2026-09-06. Review status: criteria provided, single submitter. Criteria: Ambry Variant Classification Scheme 2023. Collection method: clinical testing. Allele origin: germline.
Comment: The p.A354V variant (also known as c.1061C>T), located in coding exon 6 of the MYOM1 gene, results from a C to T substitution at nucleotide position 1061. The alanine at codon 354 is replaced by valine, an amino acid with similar properties. This amino acid position is conserved. In addition, this alteration is predicted to be deleterious by in silico analysis. Based on the available evidence, the clinical significance of this variant remains unclear.

Labcorp Genetics (formerly Invitae), Labcorp
Classification: Uncertain significance for Hypertrophic cardiomyopathy. Last evaluated: 2024-06-17. Review status: criteria provided, single submitter. Criteria: Invitae Variant Classification Sherloc (09022015). Collection method: clinical testing. Allele origin: germline.
Comment: This sequence change replaces alanine, which is neutral and non-polar, with valine, which is neutral and non-polar, at codon 354 of the MYOM1 protein (p.Ala354Val). The frequency data for this variant in the population databases is considered unreliable, as metrics indicate poor data quality at this position in the gnomAD database. This variant has not been reported in the literature in individuals affected with MYOM1-related conditions. ClinVar contains an entry for this variant (Variation ID: 940322). Advanced modeling of protein sequence and biophysical properties (such as structural, functional, and spatial information, amino acid conservation, physicochemical variation, residue mobility, and thermodynamic stability) has been performed at Invitae for this missense variant, however the output from this modeling did not meet the statistical confidence thresholds required to predict the impact of this variant on MYOM1 protein function. In summary, the available evidence is currently insufficient to determine the role of this variant in disease. Therefore, it has been classified as a Variant of Uncertain Significance.

NM_003803.4(MYOM1):c.1061C>T (p.Ala354Val)

Gene: MYOM1 (myomesin 1; minus strand). Cytogenetic location: 18p11.31.
Variant type: single nucleotide variant.
Coding change: c.1061C>T on transcript NM_003803.4 (MANE Select); coding-DNA position 1061, C replaced by T.
Protein change: p.Ala354Val; replaces alanine 354 with valine.
Molecular consequence: missense variant.
Genome position (GRCh38, 1-based): chr18:3,174,170, G>A on the plus strand (C>T on the coding strand, the complement: MYOM1 is on the minus strand). VCF-style: chr18-3174170-G-A. GRCh37 (hg19) VCF-style: chr18-3174168-G-A.
Other names: c.1061C>T, p.Ala354Val (NM_019856.2); short protein forms A354V.
Identifiers: ClinVar variation 940322 (VCV000940322.10), dbSNP rs1330141140, ClinGen allele CA401715719.
Genomic context (GRCh38, chr18:3,174,170, plus strand): 5'-GCAAACCTACTTTTTACCACAACTGAAGCATATGCCGAAAGCTCTCCTTTAACATTCATC[G>A]CCGAGGCCCGGTACTGAGCTGTATCTTCAAAATCACATCTGAAAGAACAGACGGAAATGA-3'
Protein context (NP_003794.3, residues 344-364): FEDTAQYRAS[Ala354Val]MNVKGELSAY